The following is an entry in ClinVar:

ClinVar aggregate classification (germline): Uncertain significance (1 of 4 stars; one submission).

Conditions:
Angelman syndrome (AS). Also called: HAPPY PUPPET SYNDROME. Identifiers: Orphanet 72, MedGen C0162635, MONDO:0007113, OMIM 105830. Disease mechanism: loss of function. Inheritance: imprinting disorder, AS is caused by disruption of maternally imprinted UBE3A located within the 15q11.2-q13 Angelman syndrome/Prader-Willi syndrome (AS/PWS) region..

Submission:

Labcorp Genetics (formerly Invitae), Labcorp
Classification: Uncertain significance for Angelman syndrome. Last evaluated: 2023-10-22. Review status: criteria provided, single submitter. Criteria: Invitae Variant Classification Sherloc (09022015). Collection method: clinical testing. Allele origin: germline.
Comment: This sequence change replaces glutamic acid, which is acidic and polar, with aspartic acid, which is acidic and polar, at codon 392 of the UBE3A protein (p.Glu392Asp). This variant is not present in population databases (gnomAD no frequency). This variant has not been reported in the literature in individuals affected with UBE3A-related conditions. Advanced modeling of protein sequence and biophysical properties (such as structural, functional, and spatial information, amino acid conservation, physicochemical variation, residue mobility, and thermodynamic stability) performed at Invitae indicates that this missense variant is not expected to disrupt UBE3A protein function. In summary, the available evidence is currently insufficient to determine the role of this variant in disease. Therefore, it has been classified as a Variant of Uncertain Significance.

NM_130839.5(UBE3A):c.1236A>C (p.Glu412Asp)

Genes: SNHG14 (small nucleolar RNA host gene 14; plus strand), UBE3A (ubiquitin protein ligase E3A; minus strand). Cytogenetic location: 15q11.2.
Variant type: single nucleotide variant.
Coding change: c.1236A>C on transcript NM_130839.5 (MANE Select); coding-DNA position 1236, A replaced by C.
Protein change: p.Glu412Asp; replaces glutamic acid 412 with aspartic acid.
Molecular consequence: missense variant. On other transcripts: non-coding transcript variant (1), intron variant (2).
Genome position (GRCh38, 1-based): chr15:25,370,938, T>G on the plus strand (A>C on the coding strand, the complement: UBE3A is on the minus strand). VCF-style: chr15-25370938-T-G. GRCh37 (hg19) VCF-style: chr15-25616085-T-G.
Other names: c.1245A>C, p.Glu415Asp (NM_000462.5); c.1236A>C, p.Glu412Asp (NM_001354505.1, NM_001354538.2, NM_001354545.2); c.1176A>C, p.Glu392Asp (NM_001354506.2, NM_001354507.2, NM_001354508.2 and 17 more transcripts); c.1059A>C, p.Glu353Asp (NM_001354546.2); c.301+4527A>C (NM_001354551.2); c.361+4527A>C (NM_001354550.2); short protein forms E392D, E412D, E415D, E353D.
Identifiers: ClinVar variation 2790764 (VCV002790764.3), dbSNP rs2552191576, ClinGen allele CA391354057.